The following is an entry in ClinVar:

NM_000375.3(UROS):c.394+4382C>G

Gene: UROS (uroporphyrinogen III synthase; minus strand). Cytogenetic location: 10q26.2.
Variant type: single nucleotide variant.
Coding change: c.394+4382C>G on transcript NM_000375.3 (MANE Select); 4382 bases into the intron after coding-DNA position 394, C replaced by G.
Molecular consequence: intron variant.
Genome position (GRCh38, 1-based): chr10:125,803,031, G>C on the plus strand (C>G on the coding strand, the complement: UROS is on the minus strand). VCF-style: chr10-125803031-G-C. GRCh37 (hg19) VCF-style: chr10-127491600-G-C.
Other names: c.394+4382C>G (NM_001324038.2, NM_001324037.2, NM_001324036.2); c.395-7C>G (NM_001324039.2).
Identifiers: ClinVar variation 3049221 (VCV003049221.2), dbSNP rs372362012, ClinGen allele CA5738482.

ClinVar aggregate classification (germline): Likely benign (0 of 4 stars; one submission).

Conditions:
UROS-related disorder. Also called: UROS-related condition.

Allele frequency attached by ClinVar (database versions not stated): 1000 Genomes Project 30x 0.00016; ExAC 0.00030; gnomAD 0.00039; TOPMed 0.00046; gnomAD exomes 0.00080; ESP Exome Variant Server 0.00122.
gnomAD v4.1: 1,214 of 1,612,906 alleles (0.075%); highest among the groups gnomAD compares: Non-Finnish European, 0.097%; 1 homozygote.

Submission:

PreventionGenetics, part of Exact Sciences
Classification: Likely benign for UROS-related condition. Last evaluated: 2019-12-04. Review status: no assertion criteria provided. Collection method: clinical testing. Allele origin: germline.
Comment: This variant is classified as likely benign based on ACMG/AMP sequence variant interpretation guidelines (Richards et al. 2015 PMID: 25741868, with internal and published modifications).